The following is an entry in ClinVar:

NM_004818.3(DDX23):c.350A>G (p.Lys117Arg)

Gene: DDX23 (DEAD-box helicase 23; minus strand). Cytogenetic location: 12q13.12.
Variant type: single nucleotide variant.
Coding change: c.350A>G on transcript NM_004818.3 (MANE Select); coding-DNA position 350, A replaced by G.
Protein change: p.Lys117Arg; replaces lysine 117 with arginine.
Molecular consequence: missense variant.
Genome position (GRCh38, 1-based): chr12:48,840,077, T>C on the plus strand (A>G on the coding strand, the complement: DDX23 is on the minus strand). VCF-style: chr12-48840077-T-C. GRCh37 (hg19) VCF-style: chr12-49233860-T-C.
Other names: short protein forms K117R.
Identifiers: ClinVar variation 5020641 (VCV005020641.1).

ClinVar aggregate classification (germline): Uncertain significance (1 of 4 stars; one submission).

gnomAD v4.1: 14 of 1,614,018 alleles (0.00087%); highest among the groups gnomAD compares: Admixed American, 0.0033%; no homozygotes.

Submission:

Dasa
Classification: Uncertain significance. Last evaluated: 2026-05-03. Review status: criteria provided, single submitter. Criteria: DASA Assertion Criteria. Collection method: clinical testing. Allele origin: germline.
Comment: NM_004818.3(DDX23):c.350A>G (p.Lys117Arg) is a missense variant that results in the substitution of lysine with arginine. This variant is rare in population databases. Computational prediction algorithms are consistent with a benign effect. The currently available literature and clinical evidence are not sufficient to establish a definitive association between this variant and the reported condition. Therefore, this variant is classified as a variant of uncertain significance.